The following is an entry in ClinVar:

ClinVar aggregate classification (germline): Conflicting classifications of pathogenicity. Review status: criteria provided, conflicting classifications (1 of 4 stars). 5 submissions from 5 submitters: Uncertain significance (1); Benign (1); Likely benign (3). Last evaluated 2026-03-27.

Conditions:
Inborn genetic diseases. Identifiers: MedGen C0950123, MeSH D030342.
Mowat-Wilson syndrome (MOWS). Also called: Classic Mowat-Wilson Syndrome. Identifiers: Orphanet 2152, MedGen C1856113, MONDO:0009341, OMIM 235730.

Allele frequency attached by ClinVar (database versions not stated): gnomAD exomes 0.00002; TOPMed 0.00045; 1000 Genomes Project 0.00080; ExAC 0.00002; 1000 Genomes Project 30x 0.00109.
gnomAD v4.1: 42 of 1,614,142 alleles (0.0026%); highest among the groups gnomAD compares: Admixed American, 0.045%; no homozygotes.

Submissions (5):

Ambry Genetics
Classification: Likely benign for Inborn genetic diseases. Last evaluated: 2026-03-27. Review status: criteria provided, single submitter. Criteria: Ambry Variant Classification Scheme 2023. Collection method: clinical testing. Allele origin: germline.

Labcorp Genetics (formerly Invitae), Labcorp
Classification: Likely benign for Mowat-Wilson syndrome. Last evaluated: 2026-02-02. Review status: criteria provided, single submitter. Criteria: Invitae Variant Classification Sherloc (09022015). Collection method: clinical testing. Allele origin: germline.

Genome-Nilou Lab
Classification: Likely benign for Mowat-Wilson syndrome. Last evaluated: 2021-11-07. Review status: criteria provided, single submitter. Criteria: ACMG Guidelines, 2015. Collection method: clinical testing. Allele origin: germline. Affected: no.

Eurofins Ntd Llc (ga)
Classification: Uncertain significance. Last evaluated: 2015-09-16. Review status: criteria provided, single submitter. Criteria: EGL Classification Definitions 2015. Collection method: clinical testing. Allele origin: germline. Observed: 1 variant allele, 1 heterozygote.

GeneDx
Classification: Benign. Last evaluated: 2013-09-19. Review status: criteria provided, single submitter. Criteria: GeneDx Variant Classification (06012015). Collection method: clinical testing. Allele origin: germline. Affected: yes.
Comment: This variant is considered likely benign or benign based on one or more of the following criteria: it is a conservative change, it occurs at a poorly conserved position in the protein, it is predicted to be benign by multiple in silico algorithms, and/or has population frequency not consistent with disease.

NM_014795.4(ZEB2):c.2766A>T (p.Pro922=)

Gene: ZEB2 (zinc finger E-box binding homeobox 2; minus strand). Cytogenetic location: 2q22.3.
Variant type: single nucleotide variant.
Coding change: c.2766A>T on transcript NM_014795.4 (MANE Select); coding-DNA position 2766, A replaced by T.
Protein change: p.Pro922=; no amino-acid change (proline 922 retained).
Molecular consequence: synonymous variant.
Genome position (GRCh38, 1-based): chr2:144,398,421, T>A on the plus strand (A>T on the coding strand, the complement: ZEB2 is on the minus strand). VCF-style: chr2-144398421-T-A. GRCh37 (hg19) VCF-style: chr2-145155988-T-A.
Other names: p.P922P:CCA>CCT; c.2694A>T, p.Pro898= (NM_001171653.2).
Identifiers: ClinVar variation 137952 (VCV000137952.23), dbSNP rs185223937, ClinGen allele CA291677.